The following is an entry in ClinVar:

NM_002907.4(RECQL):c.1631A>C (p.Lys544Thr)

Gene: RECQL (RecQ like helicase; minus strand). Cytogenetic location: 12p12.1.
Variant type: single nucleotide variant.
Coding change: c.1631A>C on transcript NM_002907.4 (MANE Select); coding-DNA position 1631, A replaced by C.
Protein change: p.Lys544Thr; replaces lysine 544 with threonine.
Molecular consequence: missense variant.
Genome position (GRCh38, 1-based): chr12:21,471,464, T>G on the plus strand (A>C on the coding strand, the complement: RECQL is on the minus strand). VCF-style: chr12-21471464-T-G. GRCh37 (hg19) VCF-style: chr12-21624398-T-G.
Other names: c.1631A>C, p.Lys544Thr (NM_032941.3); short protein forms K544T.
Identifiers: ClinVar variation 2586003 (VCV002586003.3), dbSNP rs74067193, ClinGen allele CA384115145.

ClinVar aggregate classification (germline): Uncertain significance. Review status: criteria provided, multiple submitters, no conflicts (2 of 4 stars). 2 submissions from 2 submitters: Uncertain significance (2). Last evaluated 2025-03-23.

gnomAD v4.1: 2 of 1,613,064 alleles (0.00012%); highest among the groups gnomAD compares: South Asian, 0.0011%; no homozygotes.

Submissions (2):

Labcorp Genetics (formerly Invitae), Labcorp
Classification: Uncertain significance. Last evaluated: 2025-03-23. Review status: criteria provided, single submitter. Criteria: Invitae Variant Classification Sherloc (09022015). Collection method: clinical testing. Allele origin: germline.
Comment: This sequence change replaces lysine, which is basic and polar, with threonine, which is neutral and polar, at codon 544 of the RECQL protein (p.Lys544Thr). This variant is not present in population databases (gnomAD no frequency). This variant has not been reported in the literature in individuals affected with RECQL-related conditions. ClinVar contains an entry for this variant (Variation ID: 2586003). Invitae Evidence Modeling of protein sequence and biophysical properties (such as structural, functional, and spatial information, amino acid conservation, physicochemical variation, residue mobility, and thermodynamic stability) indicates that this missense variant is not expected to disrupt RECQL protein function with a negative predictive value of 80%. In summary, the available evidence is currently insufficient to determine the role of this variant in disease. Therefore, it has been classified as a Variant of Uncertain Significance.

Ambry Genetics
Classification: Uncertain significance. Last evaluated: 2023-07-06. Review status: criteria provided, single submitter. Criteria: Ambry Variant Classification Scheme 2023. Collection method: clinical testing. Allele origin: germline.
Comment: The p.K544T variant (also known as c.1631A>C), located in coding exon 12 of the RECQL gene, results from an A to C substitution at nucleotide position 1631. The lysine at codon 544 is replaced by threonine, an amino acid with similar properties. This amino acid position is conserved. In addition, this alteration is predicted to be tolerated by in silico analysis. Since supporting evidence is limited at this time, the clinical significance of this alteration remains unclear.